The following is an entry in ClinVar:

ClinVar aggregate classification (germline): Uncertain significance (1 of 4 stars; one submission).

Conditions:
Ellis-van Creveld syndrome (EVC). Also called: EVC-Related Ellis-van Creveld Syndrome; EVC2-Related Ellis-van Creveld Syndrome; MESOECTODERMAL DYSPLASIA; Chondroectodermal dysplasia. Identifiers: Orphanet 289, MedGen C0013903, MONDO:0009162, OMIM 225500.
Curry-Hall syndrome (WAD). Also called: WEYERS ACRODENTAL DYSOSTOSIS. Identifiers: Orphanet 952, MedGen C0457013, MONDO:0008673, OMIM 193530.

gnomAD v4.1: 7 of 1,614,076 alleles (0.00043%); highest among the groups gnomAD compares: South Asian, 0.0077%; no homozygotes.

Submission:

Labcorp Genetics (formerly Invitae), Labcorp
Classification: Uncertain significance for Curry-Hall syndrome; Ellis-van Creveld syndrome. Last evaluated: 2025-11-05. Review status: criteria provided, single submitter. Criteria: Invitae Variant Classification Sherloc (09022015). Collection method: clinical testing. Allele origin: germline.
Comment: This sequence change replaces glutamine, which is neutral and polar, with proline, which is neutral and non-polar, at codon 249 of the EVC2 protein (p.Gln249Pro). This variant is present in population databases (rs199907577, gnomAD 0.01%). This variant has not been reported in the literature in individuals affected with EVC2-related conditions. ClinVar contains an entry for this variant (Variation ID: 3749725). An algorithm developed to predict the effect of missense changes on protein structure and function (PolyPhen-2) suggests that this variant is likely to be tolerated. In summary, the available evidence is currently insufficient to determine the role of this variant in disease. Therefore, it has been classified as a Variant of Uncertain Significance.

NM_147127.5(EVC2):c.746A>C (p.Gln249Pro)

Gene: EVC2 (EvC ciliary complex subunit 2; minus strand). Cytogenetic location: 4p16.2.
Variant type: single nucleotide variant.
Coding change: c.746A>C on transcript NM_147127.5 (MANE Select); coding-DNA position 746, A replaced by C.
Protein change: p.Gln249Pro; replaces glutamine 249 with proline.
Molecular consequence: missense variant.
Genome position (GRCh38, 1-based): chr4:5,685,440, T>G on the plus strand (A>C on the coding strand, the complement: EVC2 is on the minus strand). VCF-style: chr4-5685440-T-G. GRCh37 (hg19) VCF-style: chr4-5687167-T-G.
Other names: c.506A>C, p.Gln169Pro (NM_001166136.2); short protein forms Q169P, Q249P.
Identifiers: ClinVar variation 3749725 (VCV003749725.2).